The following is an entry in ClinVar:

ClinVar aggregate classification (germline): Pathogenic (1 of 4 stars; one submission).

Conditions:
Hereditary breast ovarian cancer syndrome. Also called: BRCA1- and BRCA2-Associated Hereditary Breast and Ovarian Cancer; Hereditary breast and/or ovarian cancer syndrome; Hereditary breast and ovarian cancer; Hereditary breast and ovarian cancer syndrome (HBOC); Breast and ovarian cancer; Hereditary breast and ovarian cancer syndrome. Identifiers: Orphanet 145, MedGen C0677776, MeSH D061325, MONDO:0003582. Disease mechanism: loss of function.

Submission:

Women's Health and Genetics/Laboratory Corporation of America, LabCorp
Classification: Pathogenic for Hereditary breast ovarian cancer syndrome. Last evaluated: 2024-10-24. Review status: criteria provided, single submitter. Criteria: LabCorp Variant Classification Summary - May 2015. Collection method: clinical testing. Allele origin: germline.
Comment: Variant summary: The variant involves the deletion of exons 1-18 in the BRCA1 gene. A presumed nomenclature of c.(?_-114)_(5193+1_5194-1)del has been designated for the purposes of this classification. This deletion includes the entire coding sequence of the gene. As the exact proximal and distal breakpoints are unknown, it may extend beyond the annotated region of the gene to include other flanking genes. The variant was absent in 21694 control chromosomes in gnomAD database, structural variants data set. Deletion of exons 1-18 has been reported in the literature in multiple individuals affected with Hereditary Breast And Ovarian Cancer Syndrome (examples: Judkins_2012, Churpek_2015, Rebbeck_2018). These data indicate that the variant is very likely to be associated with disease. The following publications have been ascertained in the context of this evaluation (PMID: 29446198, 22544547, 25428789). ClinVar contains an entry for this variant (Variation ID: 373870). Based on the evidence outlined above, the variant was classified as pathogenic.

Literature cited by the submitters: PubMed 22544547; PubMed 25428789; PubMed 29446198.

NC_000017.10:g.(41209153_41215349)_(41277382_?)del

Gene: BRCA1 (BRCA1 DNA repair associated; minus strand). Cytogenetic location: 17q21.31.
Variant type: Deletion.
Identifiers: ClinVar variation 3385107 (VCV003385107.1).